The following is an entry in ClinVar:

NM_207346.3(TSEN54):c.1091A>G (p.Glu364Gly)

Gene: TSEN54 (tRNA splicing endonuclease subunit 54; plus strand). Cytogenetic location: 17q25.1.
Variant type: single nucleotide variant.
Coding change: c.1091A>G on transcript NM_207346.3 (MANE Select); coding-DNA position 1091, A replaced by G.
Protein change: p.Glu364Gly; replaces glutamic acid 364 with glycine.
Molecular consequence: missense variant.
Genome position (GRCh38, 1-based): chr17:75,522,172, A>G. VCF-style: chr17-75522172-A-G. GRCh37 (hg19) VCF-style: chr17-73518253-A-G.
Other names: short protein forms E364G.
Identifiers: ClinVar variation 1981489 (VCV001981489.1), dbSNP rs2053435801, ClinGen allele CA401029806.

ClinVar aggregate classification (germline): Uncertain significance (1 of 4 stars; one submission).

Submission:

Labcorp Genetics (formerly Invitae), Labcorp
Classification: Uncertain significance. Last evaluated: 2022-07-30. Review status: criteria provided, single submitter. Criteria: Invitae Variant Classification Sherloc (09022015). Collection method: clinical testing. Allele origin: germline.
Comment: This sequence change replaces glutamic acid, which is acidic and polar, with glycine, which is neutral and non-polar, at codon 364 of the TSEN54 protein (p.Glu364Gly). This variant is not present in population databases (gnomAD no frequency). This variant has not been reported in the literature in individuals affected with TSEN54-related conditions. Algorithms developed to predict the effect of missense changes on protein structure and function (SIFT, PolyPhen-2, Align-GVGD) all suggest that this variant is likely to be tolerated. In summary, the available evidence is currently insufficient to determine the role of this variant in disease. Therefore, it has been classified as a Variant of Uncertain Significance.